The following is an entry in ClinVar:

ClinVar aggregate classification (germline): Uncertain significance (1 of 4 stars; one submission).

Conditions:
Norman-Roberts syndrome (LIS2). Also called: Lissencephaly 2 (Norman-Roberts type). Identifiers: Orphanet 89844, MedGen C0796089, MONDO:0009760, OMIM 257320.
Familial temporal lobe epilepsy 7. Identifiers: Orphanet 101046, MedGen C4225327, MONDO:0014639, OMIM 616436.

Submission:

Labcorp Genetics (formerly Invitae), Labcorp
Classification: Uncertain significance for Familial temporal lobe epilepsy 7; Norman-Roberts syndrome. Last evaluated: 2023-11-06. Review status: criteria provided, single submitter. Criteria: Invitae Variant Classification Sherloc (09022015). Collection method: clinical testing. Allele origin: germline.
Comment: This sequence change replaces alanine, which is neutral and non-polar, with threonine, which is neutral and polar, at codon 2394 of the RELN protein (p.Ala2394Thr). This variant also falls at the last nucleotide of exon 45, which is part of the consensus splice site for this exon. This variant is not present in population databases (gnomAD no frequency). This variant has not been reported in the literature in individuals affected with RELN-related conditions. An algorithm developed to predict the effect of missense changes on protein structure and function (PolyPhen-2) suggests that this variant is likely to be disruptive. Variants that disrupt the consensus splice site are a relatively common cause of aberrant splicing (PMID: 17576681, 9536098). In summary, the available evidence is currently insufficient to determine the role of this variant in disease. Therefore, it has been classified as a Variant of Uncertain Significance.

Literature cited by the submitters: PubMed 17576681; PubMed 9536098.

NM_005045.4(RELN):c.7180G>A (p.Ala2394Thr)

Gene: RELN (reelin; minus strand). Cytogenetic location: 7q22.1.
Variant type: single nucleotide variant.
Coding change: c.7180G>A on transcript NM_005045.4 (MANE Select); coding-DNA position 7180, G replaced by A.
Protein change: p.Ala2394Thr; replaces alanine 2394 with threonine.
Molecular consequence: missense variant.
Genome position (GRCh38, 1-based): chr7:103,539,078, C>T on the plus strand (G>A on the coding strand, the complement: RELN is on the minus strand). VCF-style: chr7-103539078-C-T. GRCh37 (hg19) VCF-style: chr7-103179525-C-T.
Other names: c.7180G>A, p.Ala2394Thr (NM_173054.3); short protein forms A2394T.
Identifiers: ClinVar variation 2951537 (VCV002951537.3), dbSNP rs2484784528, ClinGen allele CA368768971.